The following is an entry in ClinVar:

NM_172362.3(KCNH1):c.2123G>A (p.Arg708Gln)

Gene: KCNH1 (potassium voltage-gated channel subfamily H member 1; minus strand). Cytogenetic location: 1q32.2.
Variant type: single nucleotide variant.
Coding change: c.2123G>A on transcript NM_172362.3 (MANE Select); coding-DNA position 2123, G replaced by A.
Protein change: p.Arg708Gln; replaces arginine 708 with glutamine.
Molecular consequence: missense variant.
Genome position (GRCh38, 1-based): chr1:210,684,128, C>T on the plus strand (G>A on the coding strand, the complement: KCNH1 is on the minus strand). VCF-style: chr1-210684128-C-T. GRCh37 (hg19) VCF-style: chr1-210857470-C-T.
Other names: c.2042G>A, p.Arg681Gln (NM_002238.4); short protein forms R708Q, R681Q.
Identifiers: ClinVar variation 2915988 (VCV002915988.1), dbSNP rs1024089860, ClinGen allele CA37111576.

ClinVar aggregate classification (germline): Uncertain significance (1 of 4 stars; one submission).

Allele frequency attached by ClinVar (database versions not stated): gnomAD exomes below 0.00001; TOPMed below 0.00001.
gnomAD v4.1: 3 of 1,507,954 alleles (0.0002%); highest among the groups gnomAD compares: Non-Finnish European, 0.000089%; no homozygotes.

Submission:

Labcorp Genetics (formerly Invitae), Labcorp
Classification: Uncertain significance. Last evaluated: 2023-11-27. Review status: criteria provided, single submitter. Criteria: Invitae Variant Classification Sherloc (09022015). Collection method: clinical testing. Allele origin: germline.
Comment: This sequence change replaces arginine, which is basic and polar, with glutamine, which is neutral and polar, at codon 708 of the KCNH1 protein (p.Arg708Gln). This variant is not present in population databases (gnomAD no frequency). This variant has not been reported in the literature in individuals affected with KCNH1-related conditions. Advanced modeling of protein sequence and biophysical properties (such as structural, functional, and spatial information, amino acid conservation, physicochemical variation, residue mobility, and thermodynamic stability) performed at Invitae indicates that this missense variant is not expected to disrupt KCNH1 protein function with a negative predictive value of 95%. In summary, the available evidence is currently insufficient to determine the role of this variant in disease. Therefore, it has been classified as a Variant of Uncertain Significance.